The following is an entry in ClinVar:

ClinVar aggregate classification (germline): Uncertain significance. Review status: criteria provided, multiple submitters, no conflicts (2 of 4 stars). 2 submissions from 2 submitters: Uncertain significance (2). Last evaluated 2025-09-10.

Allele frequency attached by ClinVar (database versions not stated): gnomAD exomes below 0.00001.
gnomAD v4.1: 1 of 1,586,574 alleles (0.000063%); highest among the groups gnomAD compares: Non-Finnish European, 0.000086%; no homozygotes.

Submissions (2):

Labcorp Genetics (formerly Invitae), Labcorp
Classification: Uncertain significance. Last evaluated: 2025-09-10. Review status: criteria provided, single submitter. Criteria: Invitae Variant Classification Sherloc (09022015). Collection method: clinical testing. Allele origin: germline.
Comment: This sequence change replaces histidine, which is basic and polar, with arginine, which is basic and polar, at codon 902 of the PLEKHM2 protein (p.His902Arg). This variant is not present in population databases (gnomAD no frequency). This variant has not been reported in the literature in individuals affected with PLEKHM2-related conditions. ClinVar contains an entry for this variant (Variation ID: 2322599). An algorithm developed to predict the effect of missense changes on protein structure and function (PolyPhen-2) suggests that this variant is likely to be disruptive. In summary, the available evidence is currently insufficient to determine the role of this variant in disease. Therefore, it has been classified as a Variant of Uncertain Significance.

Ambry Genetics
Classification: Uncertain significance. Last evaluated: 2022-11-07. Review status: criteria provided, single submitter. Criteria: Ambry Variant Classification Scheme 2023. Collection method: clinical testing. Allele origin: germline.

NM_015164.4(PLEKHM2):c.2705A>G (p.His902Arg)

Gene: PLEKHM2 (pleckstrin homology and RUN domain containing M2; plus strand). Cytogenetic location: 1p36.21.
Variant type: single nucleotide variant.
Coding change: c.2705A>G on transcript NM_015164.4 (MANE Select); coding-DNA position 2705, A replaced by G.
Protein change: p.His902Arg; replaces histidine 902 with arginine.
Molecular consequence: missense variant.
Genome position (GRCh38, 1-based): chr1:15,732,429, A>G. VCF-style: chr1-15732429-A-G. GRCh37 (hg19) VCF-style: chr1-16058924-A-G.
Other names: c.2645A>G, p.His882Arg (NM_001410755.1); short protein forms H902R, H882R.
Identifiers: ClinVar variation 2322599 (VCV002322599.3), dbSNP rs2522479773, ClinGen allele CA338574628.